The following is an entry in ClinVar:

NM_000384.3(APOB):c.7055A>G (p.Gln2352Arg)

Gene: APOB (apolipoprotein B; minus strand). Cytogenetic location: 2p24.1.
Variant type: single nucleotide variant.
Coding change: c.7055A>G on transcript NM_000384.3 (MANE Select); coding-DNA position 7055, A replaced by G.
Protein change: p.Gln2352Arg; replaces glutamine 2352 with arginine.
Molecular consequence: missense variant.
Genome position (GRCh38, 1-based): chr2:21,009,813, T>C on the plus strand (A>G on the coding strand, the complement: APOB is on the minus strand). VCF-style: chr2-21009813-T-C. GRCh37 (hg19) VCF-style: chr2-21232685-T-C.
Other names: short protein forms Q2352R.
Identifiers: ClinVar variation 3416759 (VCV003416759.2).

ClinVar aggregate classification (germline): Uncertain significance (1 of 4 stars; one submission).

Conditions:
Cardiovascular phenotype. Identifiers: MedGen CN230736.

Submission:

Ambry Genetics
Classification: Uncertain significance for Cardiovascular phenotype. Last evaluated: 2025-03-04. Review status: criteria provided, single submitter. Criteria: Ambry Variant Classification Scheme 2023. Collection method: clinical testing. Allele origin: germline.
Comment: The p.Q2352R variant (also known as c.7055A>G), located in coding exon 26 of the APOB gene, results from an A to G substitution at nucleotide position 7055. The glutamine at codon 2352 is replaced by arginine, an amino acid with highly similar properties. This amino acid position is conserved. In addition, this alteration is predicted to be tolerated by in silico analysis. Based on the available evidence, the clinical significance of this variant remains unclear.